The following is an entry in ClinVar:

NM_001393797.1(ABCC12):c.2755C>T (p.Leu919=)

Gene: ABCC12 (ATP binding cassette subfamily C member 12; minus strand). Cytogenetic location: 16q12.1.
Variant type: single nucleotide variant.
Coding change: c.2755C>T on transcript NM_001393797.1 (MANE Select); coding-DNA position 2755, C replaced by T.
Protein change: p.Leu919=; no amino-acid change (leucine 919 retained).
Molecular consequence: synonymous variant. On other transcripts: non-coding transcript variant (5).
Genome position (GRCh38, 1-based): chr16:48,104,287, G>A on the plus strand (C>T on the coding strand, the complement: ABCC12 is on the minus strand). VCF-style: chr16-48104287-G-A. GRCh37 (hg19) VCF-style: chr16-48138198-G-A.
Other names: c.2755C>T, p.Leu919= (NM_033226.3).
Identifiers: ClinVar variation 4981564 (VCV004981564.1).

ClinVar aggregate classification (germline): Likely benign (1 of 4 stars; one submission).

Conditions:
ABCC12-related condition.

gnomAD v4.1: 82 of 1,614,130 alleles (0.0051%); highest among the groups gnomAD compares: Admixed American, 0.053%; no homozygotes.

Submission:

PreventionGenetics, part of Exact Sciences
Classification: Likely benign for ABCC12-related condition. Last evaluated: 2026-06-01. Review status: criteria provided, single submitter. Criteria: ACMG Guidelines, 2015. Collection method: clinical testing. Allele origin: germline.
Comment: This variant is classified as likely benign based on ACMG/AMP sequence variant interpretation guidelines (Richards et al. 2015 PMID: 25741868, with internal and published modifications).